The following is an entry in ClinVar:

ClinVar aggregate classification (germline): Pathogenic. Review status: criteria provided, multiple submitters, no conflicts (2 of 4 stars). 3 submissions from 3 submitters: Pathogenic (3). Last evaluated 2022-09-02.

Conditions:
Intestinal hypomagnesemia 1. Also called: HYPOMAGNESEMIA, INTESTINAL, WITH SECONDARY HYPOCALCEMIA; HYPOMAGNESEMIC TETANY. Identifiers: Orphanet 30924, MedGen C1865974, MONDO:0011176, OMIM 602014.

Allele frequency attached by ClinVar (database versions not stated): TOPMed below 0.00001; ExAC 0.00001; gnomAD 0.00001; gnomAD exomes 0.00001; ESP Exome Variant Server 0.00008.
gnomAD v4.1: 14 of 1,613,874 alleles (0.00087%); highest among the groups gnomAD compares: African/African-American, 0.0013%; no homozygotes.

Submissions (3):

Victorian Clinical Genetics Services, Murdoch Childrens Research Institute
Classification: Pathogenic for Intestinal hypomagnesemia 1. Last evaluated: 2022-09-02. Review status: criteria provided, single submitter. Criteria: ACMG Guidelines, 2015. Collection method: clinical testing. Allele origin: germline. Inheritance: Autosomal recessive inheritance. Affected: yes.
Comment: Based on the classification scheme VCGS_Germline_v1.3.4, this variant is classified as Pathogenic. Following criteria are met: 0102 - Loss of function is a known mechanism of disease in this gene and is associated with hypomagnesaemia 1 (MIM#602014). (I) 0106 - This gene is associated with autosomal recessive disease. (I) 0211 - Canonical splice site variant without proven consequence on splicing (no functional evidence available). (SP) 0252 - This variant is homozygous. (I) 0304 - Variant is present in gnomAD (v2) <0.01 for a recessive condition (2 heterozygotes, 0 homozygotes). (SP) 0505 - Abnormal splicing is predicted by in silico tools and affected nucleotide is highly conserved. (SP) 0705 - No comparable canonical splice site variants have previous evidence for pathogenicity. (I) 0802 - This variant has moderate previous evidence of pathogenicity in unrelated individuals. The variant has previously been classified once as pathogenic in ClinVar, with no supporting evidence available. Additionally, it has been reported in two homozygous individuals with hypomagnesaemia 1 (MIM#602014) (PMID: 33565749). (SP) 0905 - No published segregation evidence has been identified for this variant. (I) 1007 - No published functional evidence has been identified for this variant. (I) 1101 - Very strong and specific phenotype match for this individual. (I) Legend: (SP) - Supporting pathogenic, (I) - Information, (SB) - Supporting benign

Baylor Genetics
Classification: Pathogenic for Intestinal hypomagnesemia 1. Last evaluated: 2019-11-19. Review status: criteria provided, single submitter. Criteria: ACMG Guidelines, 2015. Collection method: clinical testing. Allele origin: unknown. Affected: yes.
Comment: This variant was determined to be pathogenic according to ACMG Guidelines, 2015 [PMID:25741868].

Juno Genomics, Hangzhou Juno Genomics, Inc
Classification: Pathogenic for Intestinal hypomagnesemia 1. Review status: criteria provided, single submitter. Criteria: ACMG Guidelines, 2015. Collection method: clinical testing. Allele origin: germline. Affected: yes.
Comment: Absent from controls (or at extremely low frequency if recessive) in Genome Aggregation Database, Exome Sequencing Project, 1000 Genomes Project, or Exome Aggregation Consortium.;Null variant in a gene where loss of function (LOF) is a known mechanism of disease.;For recessive disorders, detected in trans with a pathogenic variant.

Literature cited by the submitters: PubMed 33565749 (cited by Victorian Clinical Genetics Services, Murdoch Childrens Research Institute).

NM_017662.5(TRPM6):c.841+1G>A

Gene: TRPM6 (transient receptor potential cation channel subfamily M member 6; minus strand). Cytogenetic location: 9q21.13.
Variant type: single nucleotide variant.
Coding change: c.841+1G>A on transcript NM_017662.5 (MANE Select); the canonical splice donor site of the intron after coding-DNA position 841, G replaced by A.
Molecular consequence: splice donor variant.
Genome position (GRCh38, 1-based): chr9:74,827,777, C>T on the plus strand (G>A on the coding strand, the complement: TRPM6 is on the minus strand). VCF-style: chr9-74827777-C-T. GRCh37 (hg19) VCF-style: chr9-77442693-C-T.
Other names: c.826+1G>A (NM_001177310.2, NM_001177311.2).
Identifiers: ClinVar variation 1030275 (VCV001030275.5), dbSNP rs371363425, ClinGen allele CA5085045.
Genomic context (GRCh38, chr9:74,827,777, plus strand): 5'-CCATGAAAGACCTCAGCAGGCCTGCAACCAGACTGGGTGACTGAGCCCCTGTGATACTCA[C>T]GGCAGTGTATTTTCTGCAGAGAGAGGTACTTCTCCAGGTTCCTTCTGAGCTTCATTTCAT-3'